The following is an entry in ClinVar:

NM_005732.4(RAD50):c.885+10G>C

Gene: RAD50 (RAD50 double strand break repair protein; plus strand). Cytogenetic location: 5q31.1.
Variant type: single nucleotide variant.
Coding change: c.885+10G>C on transcript NM_005732.4 (MANE Select); 10 bases into the intron after coding-DNA position 885, G replaced by C.
Molecular consequence: intron variant.
Genome position (GRCh38, 1-based): chr5:132,587,700, G>C. VCF-style: chr5-132587700-G-C. GRCh37 (hg19) VCF-style: chr5-131923392-G-C.
Identifiers: ClinVar variation 799621 (VCV000799621.10), dbSNP rs1438201235, ClinGen allele CA915943543.

ClinVar aggregate classification (germline): Likely benign. Review status: criteria provided, single submitter (1 of 4 stars). 2 submissions from 2 submitters: Likely benign (1). 1 of the submissions does not count toward it. Last evaluated 2021-12-14.

Conditions:
RAD50-related disorder. Also called: RAD50-related condition.
Hereditary cancer-predisposing syndrome. Also called: Tumor predisposition; Neoplastic Syndromes, Hereditary; Hereditary Cancer Syndrome; Hereditary neoplastic syndrome. Identifiers: Orphanet 140162, MedGen C0027672, MeSH D009386, MONDO:0015356.

Submissions (2):

Labcorp Genetics (formerly Invitae), Labcorp
Classification: Likely benign for Hereditary cancer-predisposing syndrome. Last evaluated: 2021-12-14. Review status: criteria provided, single submitter. Criteria: Invitae Variant Classification Sherloc (09022015). Collection method: clinical testing. Allele origin: germline.

PreventionGenetics, part of Exact Sciences
Classification: Likely benign for RAD50-related condition. Last evaluated: 2021-08-23. Review status: no assertion criteria provided. Collection method: clinical testing. Allele origin: germline. Not counted in ClinVar's aggregate classification.
Comment: This variant is classified as likely benign based on ACMG/AMP sequence variant interpretation guidelines (Richards et al. 2015 PMID: 25741868, with internal and published modifications).